The following is an entry in ClinVar:

ClinVar aggregate classification (germline): Uncertain significance. Review status: criteria provided, multiple submitters, no conflicts (2 of 4 stars). 4 submissions from 4 submitters: Uncertain significance (4). Last evaluated 2023-01-01.

Conditions:
Inborn genetic diseases. Identifiers: MedGen C0950123, MeSH D030342.
Leukodystrophy, hypomyelinating, 7, with or without oligodontia and/or hypogonadotropic hypogonadism (HLD7). Also called: LEUKODYSTROPHY, HYPOMYELINATING, 7, WITH OLIGODONTIA; LEUKODYSTROPHY, HYPOMYELINATING, 7, WITH OLIGODONTIA AND HYPOGONADOTROPIC HYPOGONADISM; LEUKODYSTROPHY, HYPOMYELINATING, 7, WITHOUT OLIGODONTIA OR HYPOGONADOTROPIC HYPOGONADISM; LEUKOENCEPHALOPATHY, HYPOMYELINATING, WITH ATAXIA AND DELAYED DENTITION; ATAXIA, DELAYED DENTITION, AND HYPOMYELINATION; Ataxia, Delayed Dentition and Hypomyelination (ADDH). Identifiers: Orphanet 137639, Orphanet 447893, Orphanet 447896, Orphanet 77295, Orphanet 88637, MedGen CN034185, MONDO:0011897, OMIM 607694.

Allele frequency attached by ClinVar (database versions not stated): ExAC 0.00001; gnomAD exomes 0.00001 and 0.00005; gnomAD 0.00003 and 0.00004; TOPMed 0.00003.
gnomAD v4.1: 81 of 1,613,826 alleles (0.005%); highest among the groups gnomAD compares: Non-Finnish European, 0.0061%; no homozygotes.

Submissions (4):

CeGaT Center for Human Genetics Tuebingen
Classification: Uncertain significance. Last evaluated: 2023-01-01. Review status: criteria provided, single submitter. Criteria: CeGaT Center For Human Genetics Tuebingen Variant Classification Criteria Version 2. Collection method: clinical testing. Allele origin: germline. Affected: yes. Observed: 1 variant allele.
Comment: POLR3A: PM2, BP4

Labcorp Genetics (formerly Invitae), Labcorp
Classification: Uncertain significance. Last evaluated: 2022-06-08. Review status: criteria provided, single submitter. Criteria: Invitae Variant Classification Sherloc (09022015). Collection method: clinical testing. Allele origin: germline.
Comment: This sequence change falls in intron 13 of the POLR3A gene. It does not directly change the encoded amino acid sequence of the POLR3A protein. It affects a nucleotide within the consensus splice site. This variant is present in population databases (rs755543610, gnomAD 0.002%). This variant has not been reported in the literature in individuals affected with POLR3A-related conditions. ClinVar contains an entry for this variant (Variation ID: 880173). Variants that disrupt the consensus splice site are a relatively common cause of aberrant splicing (PMID: 17576681, 9536098). Algorithms developed to predict the effect of sequence changes on RNA splicing suggest that this variant may create or strengthen a splice site. In summary, the available evidence is currently insufficient to determine the role of this variant in disease. Therefore, it has been classified as a Variant of Uncertain Significance.

Ambry Genetics
Classification: Uncertain significance for Inborn genetic diseases. Last evaluated: 2021-11-03. Review status: criteria provided, single submitter. Criteria: Ambry Variant Classification Scheme 2023. Collection method: clinical testing. Allele origin: germline.
Comment: The c.1770+6T>C intronic alteration consists of a T to C substitution nucleotides after coding exon 13 in the POLR3A gene. Based on insufficient or conflicting evidence, the clinical significance of this alteration remains unclear.

Illumina Laboratory Services, Illumina
Classification: Uncertain significance for Leukodystrophy, hypomyelinating, 7, with or without oligodontia and/or hypogonadotropic hypogonadism. Last evaluated: 2018-01-13. Review status: criteria provided, single submitter. Criteria: ICSL Variant Classification Criteria 13 December 2019. Collection method: clinical testing. Allele origin: germline.

Literature cited by the submitters: PubMed 17576681 (cited by Labcorp Genetics (formerly Invitae), Labcorp); PubMed 9536098 (cited by Labcorp Genetics (formerly Invitae), Labcorp).

NM_007055.4(POLR3A):c.1770+6T>C

Gene: POLR3A (RNA polymerase III subunit A; minus strand). Cytogenetic location: 10q22.3.
Variant type: single nucleotide variant.
Coding change: c.1770+6T>C on transcript NM_007055.4 (MANE Select); 6 bases into the intron after coding-DNA position 1770, T replaced by C.
Molecular consequence: intron variant.
Genome position (GRCh38, 1-based): chr10:78,009,858, A>G on the plus strand (T>C on the coding strand, the complement: POLR3A is on the minus strand). VCF-style: chr10-78009858-A-G. GRCh37 (hg19) VCF-style: chr10-79769616-A-G.
Identifiers: ClinVar variation 880173 (VCV000880173.35), dbSNP rs755543610, ClinGen allele CA5571341.